The following is an entry in ClinVar:

NM_025179.4(PLXNA2):c.5286C>A (p.His1762Gln)

Gene: PLXNA2 (plexin A2; minus strand). Cytogenetic location: 1q32.2.
Variant type: single nucleotide variant.
Coding change: c.5286C>A on transcript NM_025179.4 (MANE Select); coding-DNA position 5286, C replaced by A.
Protein change: p.His1762Gln; replaces histidine 1762 with glutamine.
Molecular consequence: missense variant.
Genome position (GRCh38, 1-based): chr1:208,028,982, G>T on the plus strand (C>A on the coding strand, the complement: PLXNA2 is on the minus strand). VCF-style: chr1-208028982-G-T. GRCh37 (hg19) VCF-style: chr1-208202327-G-T.
Other names: short protein forms H1762Q.
Identifiers: ClinVar variation 4140117 (VCV004140117.2).

ClinVar aggregate classification (germline): Uncertain significance. Review status: criteria provided, multiple submitters, no conflicts (2 of 4 stars). 2 submissions from 2 submitters: Uncertain significance (2). Last evaluated 2026-03-04.

Conditions:
PLXNA2-related disorder. Also called: PLXNA2-related condition.

gnomAD v4.1: 6 of 1,613,968 alleles (0.00037%); highest among the groups gnomAD compares: Non-Finnish European, 0.00051%; no homozygotes.

Submissions (2):

PreventionGenetics, part of Exact Sciences
Classification: Uncertain significance for PLXNA2-related condition. Last evaluated: 2026-03-04. Review status: criteria provided, single submitter. Criteria: ACMG Guidelines, 2015. Collection method: clinical testing. Allele origin: germline.
Comment: The PLXNA2 c.5286C>A variant is predicted to result in the amino acid substitution p.His1762Gln. To our knowledge, this variant has not been reported in the literature or in a large population database (gnomAD), indicating this variant is rare. At this time, the clinical significance of this variant is uncertain due to the absence of conclusive functional and genetic evidence.

Ambry Genetics
Classification: Uncertain significance. Last evaluated: 2025-08-13. Review status: criteria provided, single submitter. Criteria: Ambry Variant Classification Scheme 2023. Collection method: clinical testing. Allele origin: germline.